The following is an entry in ClinVar:

NM_001375834.1(WIPF1):c.492T>C (p.Pro164=)

Gene: WIPF1 (WAS/WASL interacting protein family member 1; minus strand). Cytogenetic location: 2q31.1.
Variant type: single nucleotide variant.
Coding change: c.492T>C on transcript NM_001375834.1 (MANE Select); coding-DNA position 492, T replaced by C.
Protein change: p.Pro164=; no amino-acid change (proline 164 retained).
Molecular consequence: synonymous variant. On other transcripts: intron variant (1).
Genome position (GRCh38, 1-based): chr2:174,572,313, A>G on the plus strand (T>C on the coding strand, the complement: WIPF1 is on the minus strand). VCF-style: chr2-174572313-A-G. GRCh37 (hg19) VCF-style: chr2-175437041-A-G.
Other names: c.492T>C, p.Pro164= (NM_001077269.1, NM_001375832.1, NM_001375833.1 and 5 more transcripts); c.182-68T>C (NM_001375839.1).
Identifiers: ClinVar variation 2651548 (VCV002651548.24), dbSNP rs746570639, ClinGen allele CA1974116.

ClinVar aggregate classification (germline): Likely benign (1 of 4 stars; one submission).

Allele frequency attached by ClinVar (database versions not stated): gnomAD exomes below 0.00001; ExAC 0.00001.
gnomAD v4.1: 1 of 1,613,850 alleles (0.000062%); highest among the groups gnomAD compares: Middle Eastern, 0.016%; no homozygotes.

Submission:

CeGaT Center for Human Genetics Tuebingen
Classification: Likely benign. Last evaluated: 2022-11-01. Review status: criteria provided, single submitter. Criteria: CeGaT Center For Human Genetics Tuebingen Variant Classification Criteria Version 2. Collection method: clinical testing. Allele origin: germline. Affected: yes. Observed: 1 variant allele.
Comment: WIPF1: BP4, BP7